The following is an entry in ClinVar:

NM_001557.4(CXCR2):c.221T>C (p.Leu74Ser)

Gene: CXCR2 (C-X-C motif chemokine receptor 2; plus strand). Cytogenetic location: 2q35.
Variant type: single nucleotide variant.
Coding change: c.221T>C on transcript NM_001557.4 (MANE Select); coding-DNA position 221, T replaced by C.
Protein change: p.Leu74Ser; replaces leucine 74 with serine.
Molecular consequence: missense variant.
Genome position (GRCh38, 1-based): chr2:218,135,022, T>C. VCF-style: chr2-218135022-T-C. GRCh37 (hg19) VCF-style: chr2-218999745-T-C.
Other names: c.221T>C, p.Leu74Ser (NM_001168298.2); short protein forms L74S.
Identifiers: ClinVar variation 2860982 (VCV002860982.3), dbSNP rs2469113679, ClinGen allele CA350528837.

ClinVar aggregate classification (germline): Uncertain significance (1 of 4 stars; one submission).

Submission:

Labcorp Genetics (formerly Invitae), Labcorp
Classification: Uncertain significance. Last evaluated: 2025-02-17. Review status: criteria provided, single submitter. Criteria: Invitae Variant Classification Sherloc (09022015). Collection method: clinical testing. Allele origin: germline.
Comment: This sequence change replaces leucine, which is neutral and non-polar, with serine, which is neutral and polar, at codon 74 of the CXCR2 protein (p.Leu74Ser). This variant is not present in population databases (gnomAD no frequency). This variant has not been reported in the literature in individuals affected with CXCR2-related conditions. ClinVar contains an entry for this variant (Variation ID: 2860982). An algorithm developed to predict the effect of missense changes on protein structure and function (PolyPhen-2) suggests that this variant is likely to be disruptive. In summary, the available evidence is currently insufficient to determine the role of this variant in disease. Therefore, it has been classified as a Variant of Uncertain Significance.